The following is an entry in ClinVar:

ClinVar aggregate classification (germline): Conflicting classifications of pathogenicity. Review status: criteria provided, conflicting classifications (1 of 4 stars). 2 submissions from 2 submitters: Likely pathogenic (1); Uncertain significance (1). Last evaluated 2025-10-02.

Conditions:
Atypical hemolytic-uremic syndrome. Identifiers: Orphanet 2134, MedGen C2931788, MONDO:0016244.

Submissions (2):

Genomenon, Inc
Classification: Uncertain significance for Atypical hemolytic-uremic syndrome. Last evaluated: 2025-10-02. Review status: criteria provided, single submitter. Criteria: Genomenon Sequence Variant Interpretation Standards. Collection method: curation. Allele origin: germline. Affected: yes.
Comment: CD46 p.Ser201Leu (c.602C>T) is a missense variant that changes the amino acid at residue 201 from Serine to Leucine. This variant has been observed in at least one proband affected with atypical hemolytic-uremic syndrome (PMID:34004375;37744338;35987516). Functional studies have been reported; however, the significance of the findings remain unclear (PMID:35987516). It is absent or not present at a significant frequency in gnomAD. In conclusion, we classify CD46 p.Ser201Leu (c.602C>T) as a variant of uncertain significance.

Center for Genomic Medicine, Rigshospitalet, Copenhagen University Hospital
Classification: Likely pathogenic. Last evaluated: 2025-03-04. Review status: criteria provided, single submitter. Criteria: ACMG Guidelines, 2015. Collection method: clinical testing. Allele origin: germline.

Literature cited by the submitters: PubMed 34004375 (cited by Genomenon, Inc); PubMed 37744338 (cited by Genomenon, Inc); PubMed 35987516 (cited by Genomenon, Inc and Center for Genomic Medicine, Rigshospitalet, Copenhagen University Hospital).

NM_172351.3(CD46):c.602C>T (p.Ser201Leu)

Gene: CD46 (CD46 molecule; plus strand). Cytogenetic location: 1q32.2.
Variant type: single nucleotide variant.
Coding change: c.602C>T on transcript NM_172351.3 (MANE Select); coding-DNA position 602, C replaced by T.
Protein change: p.Ser201Leu; replaces serine 201 with leucine.
Molecular consequence: missense variant.
Genome position (GRCh38, 1-based): chr1:207,761,375, C>T. VCF-style: chr1-207761375-C-T. GRCh37 (hg19) VCF-style: chr1-207934720-C-T.
Other names: c.602C>T, p.Ser201Leu (NM_002389.4, NM_153826.4, NM_172350.3 and 8 more transcripts); short protein forms S201L.
Identifiers: ClinVar variation 1802785 (VCV001802785.6), dbSNP rs2526459784, ClinGen allele CA344549075.